The following is an entry in ClinVar:

NM_000182.5(HADHA):c.777G>A (p.Lys259=)

Gene: HADHA (hydroxyacyl-CoA dehydrogenase trifunctional multienzyme complex subunit alpha; minus strand). Cytogenetic location: 2p23.3.
Variant type: single nucleotide variant.
Coding change: c.777G>A on transcript NM_000182.5 (MANE Select); coding-DNA position 777, G replaced by A.
Protein change: p.Lys259=; no amino-acid change (lysine 259 retained).
Molecular consequence: synonymous variant.
Genome position (GRCh38, 1-based): chr2:26,215,075, C>T on the plus strand (G>A on the coding strand, the complement: HADHA is on the minus strand). VCF-style: chr2-26215075-C-T. GRCh37 (hg19) VCF-style: chr2-26437944-C-T.
Identifiers: ClinVar variation 799918 (VCV000799918.13), dbSNP rs142071869, ClinGen allele CA1559792.

ClinVar aggregate classification (germline): Likely benign. Review status: criteria provided, single submitter (1 of 4 stars). 3 submissions from 3 submitters: Likely benign (1). 2 of the submissions do not count toward it. Last evaluated 2025-12-23.

Conditions:
HADHA-related disorder. Also called: HADHA-related condition; HADHA-related disorders.
Long chain 3-hydroxyacyl-CoA dehydrogenase deficiency. Also called: Deficiency of long-chain 3-hydroxyacyl-coenzyme A dehydrogenase; LCHAD Deficiency. Identifiers: Orphanet 5, MedGen C3711645, MONDO:0012173, OMIM 609016.
Mitochondrial trifunctional protein deficiency. Identifiers: Orphanet 746, MedGen C1969443, MONDO:0012172.

Allele frequency attached by ClinVar (database versions not stated): gnomAD 0.00001; gnomAD exomes 0.00001 and 0.00003; ExAC 0.00002; TOPMed 0.00002; ESP Exome Variant Server 0.00008; 1000 Genomes Project 30x 0.00016; 1000 Genomes Project 0.00020.
gnomAD v4.1: 19 of 1,610,710 alleles (0.0012%); highest among the groups gnomAD compares: Admixed American, 0.005%; no homozygotes.

Submissions (3):

Labcorp Genetics (formerly Invitae), Labcorp
Classification: Likely benign for Mitochondrial trifunctional protein deficiency; Long chain 3-hydroxyacyl-CoA dehydrogenase deficiency. Last evaluated: 2025-12-23. Review status: criteria provided, single submitter. Criteria: Invitae Variant Classification Sherloc (09022015). Collection method: clinical testing. Allele origin: germline.

PreventionGenetics, part of Exact Sciences
Classification: Likely benign for HADHA-related condition. Last evaluated: 2024-04-17. Review status: no assertion criteria provided. Collection method: clinical testing. Allele origin: germline. Not counted in ClinVar's aggregate classification.
Comment: This variant is classified as likely benign based on ACMG/AMP sequence variant interpretation guidelines (Richards et al. 2015 PMID: 25741868, with internal and published modifications).

Natera, Inc.
Classification: Likely benign for Deficiency of long-chain 3-hydroxyacyl-coenzyme A dehydrogenase. Last evaluated: 2020-05-02. Review status: no assertion criteria provided. Collection method: clinical testing. Allele origin: germline. Not counted in ClinVar's aggregate classification.